The following is an entry in ClinVar:

NM_021930.6(RINT1):c.959A>C (p.His320Pro)

Gene: RINT1 (RAD50 interactor 1; plus strand). Cytogenetic location: 7q22.3.
Variant type: single nucleotide variant.
Coding change: c.959A>C on transcript NM_021930.6 (MANE Select); coding-DNA position 959, A replaced by C.
Protein change: p.His320Pro; replaces histidine 320 with proline.
Molecular consequence: missense variant. On other transcripts: 5 prime UTR variant (1), non-coding transcript variant (1), intron variant (1).
Genome position (GRCh38, 1-based): chr7:105,548,673, A>C. VCF-style: chr7-105548673-A-C. GRCh37 (hg19) VCF-style: chr7-105189120-A-C.
Other names: c.725A>C, p.His242Pro (NM_001346599.2); c.-61A>C (NM_001346600.2); c.35A>C, p.His12Pro (NM_001346601.2); c.-27-1382A>C (NM_001346603.2); short protein forms H12P, H242P, H320P.
Identifiers: ClinVar variation 3227677 (VCV003227677.1), dbSNP rs2485128036, ClinGen allele CA368808071.

ClinVar aggregate classification (germline): Uncertain significance (1 of 4 stars; one submission).

Submission:

Ambry Genetics
Classification: Uncertain significance. Last evaluated: 2023-09-18. Review status: criteria provided, single submitter. Criteria: Ambry Variant Classification Scheme 2023. Collection method: clinical testing. Allele origin: germline.
Comment: The p.H320P variant (also known as c.959A>C), located in coding exon 7 of the RINT1 gene, results from an A to C substitution at nucleotide position 959. The histidine at codon 320 is replaced by proline, an amino acid with similar properties. This amino acid position is conserved. In addition, this alteration is predicted to be deleterious by in silico analysis. Since supporting evidence is limited at this time, the clinical significance of this alteration remains unclear.